The following is an entry in ClinVar:

ClinVar aggregate classification (germline): other (0 of 4 stars; one submission).

Conditions:
Familial colorectal cancer. Identifiers: MedGen CN280943, MONDO:0023113. Disease mechanism: loss of function.

Submission:

Systems Biology Platform Zhejiang California International NanoSystems Institute
Classification: other for Familial colorectal cancer. Review status: no assertion criteria provided. Collection method: not provided. Allele origin: unknown.
ClinVar note: Converted during submission from cancer to other.

NM_000038.6(APC):c.-18-5328C>A

Gene: APC (APC regulator of WNT signaling pathway; plus strand). Cytogenetic location: 5q22.2.
Variant type: single nucleotide variant.
Coding change: c.-18-5328C>A on transcript NM_000038.6 (MANE Select); 5328 bases into the intron before 18 bases upstream of the start codon, C replaced by A.
Molecular consequence: intron variant.
Genome position (GRCh38, 1-based): chr5:112,749,545, C>A. VCF-style: chr5-112749545-C-A. GRCh37 (hg19) VCF-style: chr5-112085242-C-A.
Other names: c.-18-5328C>A (NM_001354895.2, NM_001127510.3, NM_001354896.2 and 2 more transcripts); c.166-16781C>A (NM_001354897.2, NM_001354902.2, NM_001127511.3); c.60+11085C>A (NM_001354898.2, NM_001354904.2); c.-1053-5328C>A (NM_001354906.2); c.-43+11620C>A (NM_001354900.2, NM_001354901.2, NM_001354905.2).
Identifiers: ClinVar variation 82355 (VCV000082355.2), dbSNP rs79440809, ClinGen allele CA006149.
Genomic context (GRCh38, chr5:112,749,545, plus strand): 5'-TTTTTTTTTTTTTTTTTTGATATGGAGTCTTGCTCTGTCACCCAGGCTGGAGTGCAGTGG[C>A]ATGATCTTGGCTTACTGCAACAACCTCCACCTCCCGTGTTCAAGCGATTCACCTGCCTCA-3'